The following is an entry in ClinVar:

NM_001927.4(DES):c.775G>A (p.Val259Ile)

Gene: DES (desmin; plus strand). Cytogenetic location: 2q35.
Variant type: single nucleotide variant.
Coding change: c.775G>A on transcript NM_001927.4 (MANE Select); coding-DNA position 775, G replaced by A.
Protein change: p.Val259Ile; replaces valine 259 with isoleucine.
Molecular consequence: missense variant. On other transcripts: intron variant (1).
Genome position (GRCh38, 1-based): chr2:219,420,534, G>A. VCF-style: chr2-219420534-G-A. GRCh37 (hg19) VCF-style: chr2-220285256-G-A.
Other names: c.772G>A, p.Val258Ile (NM_001382708.1); c.775G>A, p.Val259Ile (NM_001382710.1, NM_001382711.1, NM_001382712.1); c.505G>A, p.Val169Ile (NM_001382713.1); c.735+188G>A (NM_001382709.1); short protein forms V259I, V258I, V169I.
Identifiers: ClinVar variation 2924610 (VCV002924610.4), dbSNP rs1575014346, ClinGen allele CA350690979.
Genomic context (GRCh38, chr2:219,420,534, plus strand): 5'-AAGCCCAGTCATGCCCTACAGGAGATCCGTGAGTTGCAGGCTCAGCTTCAGGAACAGCAG[G>A]TCCAGGTGGAGATGGACATGTCTAAGCCAGACCTCACTGCCGCCCTCAGGGACATCCGGG-3'
Protein context (NP_001918.3, residues 249-269): ELQAQLQEQQ[Val259Ile]QVEMDMSKPD

ClinVar aggregate classification (germline): Uncertain significance. Review status: criteria provided, multiple submitters, no conflicts (2 of 4 stars). 2 submissions from 2 submitters: Uncertain significance (2). Last evaluated 2025-10-19.

Conditions:
Desmin-related myofibrillar myopathy (MFM1). Also called: Desminopathy; Desmin related myopathy (former name); Desmin storage myopathy (former name); MYOFIBRILLAR MYOPATHY WITH ARRHYTHMOGENIC RIGHT VENTRICULAR CARDIOMYOPATHY; DESMIN-RELATED MYOPATHY WITH ARRHYTHMOGENIC RIGHT VENTRICULAR CARDIOMYOPATHY; Myofibrillar myopathy 1. Identifiers: Orphanet 363543, Orphanet 98909, MedGen C1832370, MONDO:0011076, OMIM 601419.

Allele frequency attached by ClinVar (database versions not stated): gnomAD exomes below 0.00001.
gnomAD v4.1: 1 of 1,613,974 alleles (0.000062%); highest among the groups gnomAD compares: Non-Finnish European, 0.000085%; no homozygotes.

Submissions (2):

Labcorp Genetics (formerly Invitae), Labcorp
Classification: Uncertain significance for Desmin-related myofibrillar myopathy. Last evaluated: 2025-10-19. Review status: criteria provided, single submitter. Criteria: Invitae Variant Classification Sherloc (09022015). Collection method: clinical testing. Allele origin: germline.
Comment: This sequence change replaces valine, which is neutral and non-polar, with isoleucine, which is neutral and non-polar, at codon 259 of the DES protein (p.Val259Ile). This variant is not present in population databases (gnomAD no frequency). This variant has not been reported in the literature in individuals affected with DES-related conditions. ClinVar contains an entry for this variant (Variation ID: 2924610). Invitae Evidence Modeling of protein sequence and biophysical properties (such as structural, functional, and spatial information, amino acid conservation, physicochemical variation, residue mobility, and thermodynamic stability) has been performed for this missense variant. However, the output from this modeling did not meet the statistical confidence thresholds required to predict the impact of this variant on DES protein function. In summary, the available evidence is currently insufficient to determine the role of this variant in disease. Therefore, it has been classified as a Variant of Uncertain Significance.

GeneDx
Classification: Uncertain significance. Last evaluated: 2024-11-20. Review status: criteria provided, single submitter. Criteria: GeneDx Variant Classification Process June 2021. Collection method: clinical testing. Allele origin: germline. Affected: yes.
Comment: Not observed at significant frequency in large population cohorts (gnomAD); In silico analysis indicates that this missense variant does not alter protein structure/function; Has not been previously published as pathogenic or benign to our knowledge